The following is an entry in ClinVar:

ClinVar aggregate classification (germline): Uncertain significance (1 of 4 stars; one submission).

Conditions:
Intellectual developmental disorder, X-linked, syndromic 33. Also called: Intellectual disability, X-linked, syndromic 33; X-linked intellectual disability-global development delay-facial dysmorphism-sacral caudal remnant syndrome. Identifiers: Orphanet 480907, MedGen C4225418, MONDO:0010500, OMIM 300966.

Submission:

3billion
Classification: Uncertain significance for Intellectual developmental disorder, X-linked, syndromic 33. Last evaluated: 2025-05-22. Review status: criteria provided, single submitter. Criteria: ACMG Guidelines, 2015. Collection method: clinical testing. Allele origin: germline. Affected: yes.
Comment: The variant is not observed in the gnomAD v4.1.0 dataset. Predicted Consequence/Location: Missense variant. Missense changes are a common disease-causing mechanism. In silico tool predictions suggest no damaging effect of the variant on gene or gene product [REVEL: 0.03 (<0.4); 3Cnet: 0.00 (<0.1, specificity 0.84 and negative predicitive value 0.97)]. Therefore, this variant is classified as VUS according to the recommendation of ACMG/AMP guideline.

NM_004606.5(TAF1):c.2310G>T (p.Gln770His)

Gene: TAF1 (TATA-box binding protein associated factor 1; plus strand). Cytogenetic location: Xq13.1.
Variant type: single nucleotide variant.
Coding change: c.2310G>T on transcript NM_004606.5 (MANE Select); coding-DNA position 2310, G replaced by T.
Protein change: p.Gln770His; replaces glutamine 770 with histidine.
Molecular consequence: missense variant. On other transcripts: non-coding transcript variant (9).
Genome position (GRCh38, 1-based): chrX:71,387,344, G>T. VCF-style: chrX-71387344-G-T. GRCh37 (hg19) VCF-style: chrX-70607194-G-T.
Other names: c.2310G>T, p.Gln770His (NM_001286074.2, NM_001440852.1, NM_001440853.1); c.2247G>T, p.Gln749His (NM_001440854.1, NM_138923.4); short protein forms Q749H, Q770H.
Identifiers: ClinVar variation 4855715 (VCV004855715.1).